The following is an entry in ClinVar:

NM_013266.4(CTNNA3):c.1009_1015del (p.Gln337fs)

Gene: CTNNA3 (catenin alpha 3; minus strand). Cytogenetic location: 10q21.3.
Variant type: Deletion.
Coding change: c.1009_1015del on transcript NM_013266.4 (MANE Select); coding-DNA positions 1009 to 1015, 7 bases deleted (CAGGCTC; older notation c.1009_1015delCAGGCTC).
Protein change: p.Gln337fs; shifts the reading frame from glutamine 337.
Molecular consequence: frameshift variant.
Genome position (GRCh38, 1-based): chr10:67,180,349-67,180,355, GAGCCTG deleted on the plus strand (CAGGCTC on the coding strand, the reverse complement: CTNNA3 is on the minus strand); deleting any 7 consecutive bases within chr10:67,180,349-67,180,356 gives the same sequence; the c. name uses the placement nearest the transcript's 3' end. VCF-style (leftmost placement, unchanged base first): chr10-67180348-AGAGCCTG-A. GRCh37 (hg19) VCF-style: chr10-68940106-AGAGCCTG-A.
Other names: c.1009_1015del, p.Gln337fs (NM_001127384.3); c.1045_1051del, p.Gln349fs (NM_001291133.2); short protein forms Q337fs, Q349fs.
Identifiers: ClinVar variation 2502207 (VCV002502207.1), dbSNP rs2547990130, ClinGen allele CA912970345.

ClinVar aggregate classification (germline): Uncertain significance (1 of 4 stars; one submission).

Conditions:
Arrhythmogenic right ventricular dysplasia 13. Also called: Arrhythmogenic right ventricular dysplasia, familial, 13; ARRHYTHMOGENIC RIGHT VENTRICULAR CARDIOMYOPATHY 13. Identifiers: MedGen C3810138, MONDO:0000908, OMIM 615616.

Submission:

New York Genome Center
Classification: Uncertain significance for Arrhythmogenic right ventricular dysplasia 13. Last evaluated: 2022-08-15. Review status: criteria provided, single submitter. Criteria: NYGC Assertion Criteria 2020. Collection method: clinical testing. Allele origin: germline. Observed: 1 heterozygote.
Comment: The frameshift c.1009_1015del variant in CTNNA3 has not previously been reported in the literature or public variant repositories (ClinVar and LOVD), and is absent from population databases (gnomAD v2.1.1 and v3.1.2, TOPMed Freeze 8, All of Us), suggesting it is not a common benign variant in the populations represented in those databases. The c.1009_1015del variant in the CTNNA3 gene is located in exon 7 of this 18-exon gene, predicted to incorporate a premature termination codon (p.(Gln337PhefsTer9)), and is expected to result in loss-of-function via nonsense-mediated decay. However, the current clinical and genetic evidence is not sufficient to establish whether loss-of-function variants in CTNNA3 are associated with Arrhythmogenic right ventricular cardiomyopathy/dysplasia-13. Based on available evidence, this c.1009_1015del, (p.(Gln337PhefsTer9)) variant identified in the CTNNA3 gene is classified as a Variant of Uncertain Significance.